The following is an entry in ClinVar:

ClinVar aggregate classification (germline): Uncertain significance (1 of 4 stars; one submission).

Conditions:
Gorlin syndrome. Also called: Nevoid Basal Cell Carcinoma Syndrome; Basal cell nevus syndrome. Identifiers: Orphanet 377, MedGen C0004779, MONDO:0007187.

Submission:

Labcorp Genetics (formerly Invitae), Labcorp
Classification: Uncertain significance for Gorlin syndrome. Last evaluated: 2023-02-05. Review status: criteria provided, single submitter. Criteria: Invitae Variant Classification Sherloc (09022015). Collection method: clinical testing. Allele origin: germline.
Comment: Advanced modeling of protein sequence and biophysical properties (such as structural, functional, and spatial information, amino acid conservation, physicochemical variation, residue mobility, and thermodynamic stability) performed at Invitae indicates that this missense variant is not expected to disrupt PTCH1 protein function. In summary, the available evidence is currently insufficient to determine the role of this variant in disease. Therefore, it has been classified as a Variant of Uncertain Significance. This variant has not been reported in the literature in individuals affected with PTCH1-related conditions. This variant is not present in population databases (gnomAD no frequency). This sequence change replaces proline, which is neutral and non-polar, with arginine, which is basic and polar, at codon 1282 of the PTCH1 protein (p.Pro1282Arg).

NM_000264.5(PTCH1):c.3845C>G (p.Pro1282Arg)

Gene: PTCH1 (patched 1; minus strand). Cytogenetic location: 9q22.32.
Variant type: single nucleotide variant.
Coding change: c.3845C>G on transcript NM_000264.5 (MANE Select); coding-DNA position 3845, C replaced by G.
Protein change: p.Pro1282Arg; replaces proline 1282 with arginine.
Molecular consequence: missense variant. On other transcripts: non-coding transcript variant (1).
Genome position (GRCh38, 1-based): chr9:95,447,411, G>C on the plus strand (C>G on the coding strand, the complement: PTCH1 is on the minus strand). VCF-style: chr9-95447411-G-C. GRCh37 (hg19) VCF-style: chr9-98209693-G-C.
Other names: c.3647C>G, p.Pro1216Arg (NM_001083602.3); c.3842C>G, p.Pro1281Arg (NM_001083603.3); c.3392C>G, p.Pro1131Arg (NM_001083604.3, NM_001083605.3, NM_001083606.3 and 1 more transcripts); c.3689C>G, p.Pro1230Arg (NM_001354918.2); short protein forms P1230R, P1131R, P1282R, P1216R, P1281R.
Identifiers: ClinVar variation 2815401 (VCV002815401.3), dbSNP rs2227968, ClinGen allele CA196558636.
Genomic context (GRCh38, chr9:95,447,411, plus strand): 5'-GGCTGCTGGCCTTGCCGTCCGGGAGGCAGGGACCCTGAGTCCAGGTGGGGCTGCTGTCTC[G>C]GGTTCGAGGGTGGGTGATGCCTGGATTCGGGATGGACCACCTGCAGAGGGTGAGGGTGGG-3'
Protein context (NP_000255.2, residues 1272-1292): PESRHHPPSN[Pro1282Arg]RQQPHLDSGS